The following is an entry in ClinVar:

NM_001165963.4(SCN1A):c.4002+2098T>G

Genes: SCN1A (sodium voltage-gated channel alpha subunit 1; minus strand), LOC102724058 (uncharacterized LOC102724058; plus strand). Cytogenetic location: 2q24.3.
Variant type: single nucleotide variant.
Coding change: c.4002+2098T>G on transcript NM_001165963.4 (MANE Select); 2098 bases into the intron after coding-DNA position 4002, T replaced by G.
Molecular consequence: intron variant.
Genome position (GRCh38, 1-based): chr2:166,007,621, A>C on the plus strand (T>G on the coding strand, the complement: SCN1A is on the minus strand). VCF-style: chr2-166007621-A-C. GRCh37 (hg19) VCF-style: chr2-166864131-A-C.
Other names: c.3969+2098T>G (NM_001353949.2, NM_001353950.2, NM_001353951.2 and 2 more transcripts); c.3918+2098T>G (NM_001353958.2, NM_001353957.2, NM_001165964.3); c.4002+2098T>G (NM_001202435.3, NM_001353948.2); c.3966+2098T>G (NM_001353955.2, NM_001353954.2); c.3915+2098T>G (NM_001353960.2); c.1560+2098T>G (NM_001353961.2).
Identifiers: ClinVar variation 2985924 (VCV002985924.3), dbSNP rs182825244, ClinGen allele CA59771707.

ClinVar aggregate classification (germline): Uncertain significance (1 of 4 stars; one submission).

Conditions:
Early-infantile DEE. Also called: Ohtahara syndrome; Early infantile epileptic encephalopathy; Early infantile epileptic encephalopathy with suppression bursts. Identifiers: Orphanet 1934, MedGen C0393706, MONDO:0800491.

Allele frequency attached by ClinVar (database versions not stated): 1000 Genomes Project 30x 0.00016.
gnomAD v4.1: 5 of 151,546 alleles (0.0033%); highest among the groups gnomAD compares: Non-Finnish European, 0.003%; no homozygotes.

Submission:

Labcorp Genetics (formerly Invitae), Labcorp
Classification: Uncertain significance for Early-infantile DEE. Last evaluated: 2024-05-15. Review status: criteria provided, single submitter. Criteria: Invitae Variant Classification Sherloc (09022015). Collection method: clinical testing. Allele origin: germline.
Comment: This sequence change falls in intron 20 of the SCN1A gene. It does not directly change the encoded amino acid sequence of the SCN1A protein. However, this sequence change falls within a region encompassing a cryptic exon in the SCN1A gene, in which variants have been shown to alter splicing (PMID: 30526861, 34107977). This variant is present in population databases (rs182825244, gnomAD 0.09%). This variant has not been reported in the literature in individuals affected with SCN1A-related conditions. Algorithms developed to predict the effect of sequence changes on RNA splicing suggest that this variant is not likely to affect RNA splicing. In summary, the available evidence is currently insufficient to determine the role of this variant in disease. Therefore, it has been classified as a Variant of Uncertain Significance.

Literature cited by the submitters: PubMed 30526861; PubMed 34107977.